The following is an entry in ClinVar:

NM_006767.4(LZTR1):c.1150-5C>A

Gene: LZTR1 (leucine zipper like post translational regulator 1; plus strand). Cytogenetic location: 22q11.21.
Variant type: single nucleotide variant.
Coding change: c.1150-5C>A on transcript NM_006767.4 (MANE Select); 5 bases into the intron before coding-DNA position 1150, C replaced by A.
Molecular consequence: intron variant.
Genome position (GRCh38, 1-based): chr22:20,992,789, C>A. VCF-style: chr22-20992789-C-A. GRCh37 (hg19) VCF-style: chr22-21347078-C-A.
Identifiers: ClinVar variation 4101885 (VCV004101885.1).

ClinVar aggregate classification (germline): Uncertain significance (1 of 4 stars; one submission).

Conditions:
Cardiovascular phenotype. Identifiers: MedGen CN230736.
Hereditary cancer-predisposing syndrome. Also called: Tumor predisposition; Neoplastic Syndromes, Hereditary; Hereditary neoplastic syndrome; Hereditary Cancer Syndrome. Identifiers: Orphanet 140162, MedGen C0027672, MeSH D009386, MONDO:0015356.

Submission:

Ambry Genetics
Classification: Uncertain significance for Cardiovascular phenotype; Hereditary cancer-predisposing syndrome. Last evaluated: 2025-07-21. Review status: criteria provided, single submitter. Criteria: Ambry Variant Classification Scheme 2023. Collection method: clinical testing. Allele origin: germline.
Comment: The c.1150-5C>A intronic variant results from a C to A substitution 5 nucleotides upstream from coding exon 11 in the LZTR1 gene. This nucleotide position is not well conserved in available vertebrate species. In silico splice site analysis predicts that this alteration will not have any significant effect on splicing. Based on the available evidence, the clinical significance of this variant remains unclear.